The following is an entry in ClinVar:

NM_004385.5(VCAN):c.4211C>T (p.Thr1404Ile)

Genes: VCAN (versican; plus strand), VCAN-AS1 (VCAN antisense RNA 1; minus strand). Cytogenetic location: 5q14.3.
Variant type: single nucleotide variant.
Coding change: c.4211C>T on transcript NM_004385.5 (MANE Select); coding-DNA position 4211, C replaced by T.
Protein change: p.Thr1404Ile; replaces threonine 1404 with isoleucine.
Molecular consequence: missense variant. On other transcripts: intron variant (2).
Genome position (GRCh38, 1-based): chr5:83,537,214, C>T. VCF-style: chr5-83537214-C-T. GRCh37 (hg19) VCF-style: chr5-82833033-C-T.
Other names: c.1250C>T, p.Thr417Ile (NM_001164097.2); c.4004-8323C>T (NM_001164098.2); c.1043-8323C>T (NM_001126336.3); short protein forms T417I, T1404I.
Identifiers: ClinVar variation 1498823 (VCV001498823.8), dbSNP rs1369739388, ClinGen allele CA360307763.
Genomic context (GRCh38, chr5:83,537,214, plus strand): 5'-ACCACAGTGAAGAAAATGAAGAAGAAGAAGAAGAGTGTGCAAATGCTACTGATGTGACAA[C>T]CACCCCATCTGTGCAGTACATAAATGGGAAGCATCTCGTTACCACTGTGCCCAAGGACCC-3'
Protein context (NP_004376.2, residues 1394-1414): EECANATDVT[Thr1404Ile]TPSVQYINGK

ClinVar aggregate classification (germline): Uncertain significance (1 of 4 stars; one submission).

Allele frequency attached by ClinVar (database versions not stated): gnomAD exomes below 0.00001; TOPMed 0.00002; gnomAD 0.00003.
gnomAD v4.1: 6 of 1,613,586 alleles (0.00037%); highest among the groups gnomAD compares: African/African-American, 0.0053%; no homozygotes.

Submission:

Labcorp Genetics (formerly Invitae), Labcorp
Classification: Uncertain significance. Last evaluated: 2023-12-18. Review status: criteria provided, single submitter. Criteria: Invitae Variant Classification Sherloc (09022015). Collection method: clinical testing. Allele origin: germline.
Comment: This sequence change replaces threonine, which is neutral and polar, with isoleucine, which is neutral and non-polar, at codon 1404 of the VCAN protein (p.Thr1404Ile). This variant is present in population databases (no rsID available, gnomAD 0.01%). This variant has not been reported in the literature in individuals affected with VCAN-related conditions. ClinVar contains an entry for this variant (Variation ID: 1498823). An algorithm developed to predict the effect of missense changes on protein structure and function (PolyPhen-2) suggests that this variant is likely to be disruptive. In summary, the available evidence is currently insufficient to determine the role of this variant in disease. Therefore, it has been classified as a Variant of Uncertain Significance.